The following is an entry in ClinVar:

NM_000142.5(FGFR3):c.615+6C>T

Gene: FGFR3 (fibroblast growth factor receptor 3; plus strand). Cytogenetic location: 4p16.3.
Variant type: single nucleotide variant.
Coding change: c.615+6C>T on transcript NM_000142.5 (MANE Select); 6 bases into the intron after coding-DNA position 615, C replaced by T.
Molecular consequence: intron variant.
Genome position (GRCh38, 1-based): chr4:1,801,542, C>T. VCF-style: chr4-1801542-C-T. GRCh37 (hg19) VCF-style: chr4-1803269-C-T.
Other names: c.615+6C>T (NM_001163213.2, NM_001354809.2, NM_001354810.2 and 1 more transcripts).
Identifiers: ClinVar variation 287747 (VCV000287747.11), dbSNP rs2305182, ClinGen allele CA2809874.

ClinVar aggregate classification (germline): Uncertain significance. Review status: criteria provided, multiple submitters, no conflicts (2 of 4 stars). 3 submissions from 3 submitters: Uncertain significance (3). Last evaluated 2026-04-22.

Conditions:
Monogenic short statue.

Allele frequency attached by ClinVar (database versions not stated): TOPMed 0.00004.
gnomAD v4.1: 20 of 1,575,870 alleles (0.0013%); highest among the groups gnomAD compares: African/African-American, 0.011%; no homozygotes.

Submissions (3):

NHS Central & South Genomic Laboratory Hub
Classification: Uncertain significance for Monogenic short statue. Last evaluated: 2026-04-22. Review status: criteria provided, single submitter. Criteria: ACMG Guidelines, 2015. Collection method: clinical testing. Allele origin: germline. Affected: yes.

Labcorp Genetics (formerly Invitae), Labcorp
Classification: Uncertain significance. Last evaluated: 2023-11-28. Review status: criteria provided, single submitter. Criteria: Invitae Variant Classification Sherloc (09022015). Collection method: clinical testing. Allele origin: germline.
Comment: This sequence change falls in intron 5 of the FGFR3 gene. It does not directly change the encoded amino acid sequence of the FGFR3 protein. It affects a nucleotide within the consensus splice site. This variant is present in population databases (rs2305182, gnomAD 0.02%). This variant has not been reported in the literature in individuals affected with FGFR3-related conditions. ClinVar contains an entry for this variant (Variation ID: 287747). Variants that disrupt the consensus splice site are a relatively common cause of aberrant splicing (PMID: 17576681, 9536098). Algorithms developed to predict the effect of sequence changes on RNA splicing suggest that this variant is not likely to affect RNA splicing. In summary, the available evidence is currently insufficient to determine the role of this variant in disease. Therefore, it has been classified as a Variant of Uncertain Significance.

Eurofins Ntd Llc (ga)
Classification: Uncertain significance. Last evaluated: 2016-05-02. Review status: criteria provided, single submitter. Criteria: EGL Classification Definitions 2015. Collection method: clinical testing. Allele origin: germline. Observed: 1 variant allele.

Literature cited by the submitters: PubMed 17576681 (cited by Labcorp Genetics (formerly Invitae), Labcorp); PubMed 9536098 (cited by Labcorp Genetics (formerly Invitae), Labcorp).